The following is an entry in ClinVar:

ClinVar aggregate classification (germline): Uncertain significance. Review status: criteria provided, multiple submitters, no conflicts (2 of 4 stars). 2 submissions from 2 submitters: Uncertain significance (2). Last evaluated 2026-01-06.

Conditions:
RIN2-related disorder. Also called: RIN2-related condition.

Allele frequency attached by ClinVar (database versions not stated): gnomAD 0.00015; TOPMed 0.00015; gnomAD exomes 0.00021; ExAC 0.00025.
gnomAD v4.1: 312 of 1,547,974 alleles (0.02%); highest among the groups gnomAD compares: Non-Finnish European, 0.025%; no homozygotes.

Submissions (2):

PreventionGenetics, part of Exact Sciences
Classification: Uncertain significance for RIN2-related condition. Last evaluated: 2026-01-06. Review status: criteria provided, single submitter. Criteria: ACMG Guidelines, 2015. Collection method: clinical testing. Allele origin: germline.
Comment: The RIN2 c.119C>T variant is predicted to result in the amino acid substitution p.Pro40Leu. To our knowledge, this variant has not been reported in the literature. This variant is reported in 0.018% of alleles in individuals of African descent in gnomAD. At this time, the clinical significance of this variant is uncertain due to the absence of conclusive functional and genetic evidence.

Labcorp Genetics (formerly Invitae), Labcorp
Classification: Uncertain significance. Last evaluated: 2022-10-07. Review status: criteria provided, single submitter. Criteria: Invitae Variant Classification Sherloc (09022015). Collection method: clinical testing. Allele origin: germline.
Comment: The RIN2 gene has multiple clinically relevant transcripts. This variant occurs in alternate transcript NM_001242581.1, and corresponds to NM_018993.3:c.-29C>T in the primary transcript. This sequence change replaces proline, which is neutral and non-polar, with leucine, which is neutral and non-polar, at codon 40 of the RIN2 protein (p.Pro40Leu). This variant is present in population databases (rs777924295, gnomAD 0.02%). This variant has not been reported in the literature in individuals affected with RIN2-related conditions. Experimental studies and prediction algorithms are not available or were not evaluated, and the functional significance of this variant is currently unknown. In summary, the available evidence is currently insufficient to determine the role of this variant in disease. Therefore, it has been classified as a Variant of Uncertain Significance.

NM_018993.4(RIN2):c.-29C>T

Gene: RIN2 (Ras and Rab interactor 2; plus strand). Cytogenetic location: 20p11.23.
Variant type: single nucleotide variant.
Coding change: c.-29C>T on transcript NM_018993.4 (MANE Select); 29 bases upstream of the start codon, C replaced by T.
Molecular consequence: 5 prime UTR variant. On other transcripts: missense variant (1).
Genome position (GRCh38, 1-based): chr20:19,889,573, C>T. VCF-style: chr20-19889573-C-T. GRCh37 (hg19) VCF-style: chr20-19870217-C-T.
Other names: c.119C>T (NM_001242581.1); c.119C>T, p.Pro40Leu (NM_001242581.2); c.-574C>T (NM_001378238.1); short protein forms P40L.
Identifiers: ClinVar variation 1926530 (VCV001926530.3), dbSNP rs777924295, ClinGen allele CA9779668.